The following is an entry in ClinVar:

ClinVar aggregate classification (germline): Likely benign (0 of 4 stars; one submission).

Conditions:
EP300-related disorder. Also called: EP300-related disorders; EP300-related condition.

gnomAD v4.1: 3 of 1,614,226 alleles (0.00019%); highest among the groups gnomAD compares: Non-Finnish European, 0.00017%; no homozygotes.

Submission:

PreventionGenetics, part of Exact Sciences
Classification: Likely benign for EP300-related condition. Last evaluated: 2022-11-23. Review status: no assertion criteria provided. Collection method: clinical testing. Allele origin: germline.
Comment: This variant is classified as likely benign based on ACMG/AMP sequence variant interpretation guidelines (Richards et al. 2015 PMID: 25741868, with internal and published modifications).

NM_001429.4(EP300):c.3882A>G (p.Pro1294=)

Gene: EP300 (E1A binding protein p300; plus strand). Cytogenetic location: 22q13.2.
Variant type: single nucleotide variant.
Coding change: c.3882A>G on transcript NM_001429.4 (MANE Select); coding-DNA position 3882, A replaced by G.
Protein change: p.Pro1294=; no amino-acid change (proline 1294 retained).
Molecular consequence: synonymous variant.
Genome position (GRCh38, 1-based): chr22:41,168,456, A>G. VCF-style: chr22-41168456-A-G. GRCh37 (hg19) VCF-style: chr22-41564460-A-G.
Other names: c.3804A>G, p.Pro1268= (NM_001362843.2).
Identifiers: ClinVar variation 3353933 (VCV003353933.1).